The following is an entry in ClinVar:

ClinVar aggregate classification (germline): Pathogenic/Likely pathogenic. Review status: criteria provided, multiple submitters, no conflicts (2 of 4 stars). 4 submissions from 4 submitters: Pathogenic (2); Likely pathogenic (2). Last evaluated 2025-06-16.

Conditions:
Muscular dystrophy-dystroglycanopathy (congenital with brain and eye anomalies), type A2. Also called: MUSCULAR DYSTROPHY-DYSTROGLYCANOPATHY (CONGENITAL WITH BRAIN AND EYE ANOMALIES), TYPE A, 2; WALKER-WARBURG SYNDROME OR MUSCLE-EYE-BRAIN DISEASE, POMT2-RELATED. Identifiers: Orphanet 588, Orphanet 899, MedGen C3150411, MONDO:0013154, OMIM 613150.
Autosomal recessive limb-girdle muscular dystrophy type 2N. Also called: MUSCULAR DYSTROPHY-DYSTROGLYCANOPATHY, LIMB-GIRDLE, POMT2-RELATED; Muscular dystrophy-dystroglycanopathy (limb-girdle), type C, 2. Identifiers: Orphanet 206559, MedGen C3150418, MONDO:0013162, OMIM 613158.
Muscular dystrophy-dystroglycanopathy (congenital with impaired intellectual development), type B, 2. Also called: Muscular dystrophy-dystroglycanopathy (congenital with intellectual disability), type B2; MUSCULAR DYSTROPHY, CONGENITAL, POMT2-RELATED. Identifiers: MedGen C3150416, MONDO:0013160, OMIM 613156.

gnomAD v4.1: 1 of 1,614,062 alleles (0.000062%); highest among the groups gnomAD compares: Middle Eastern, 0.016%; no homozygotes.

Submissions (4):

First Genomix Gene Laboratory, Genetic Diagnostics Department
Classification: Likely pathogenic for Muscular dystrophy-dystroglycanopathy (congenital with brain and eye anomalies), type A2; Muscular dystrophy-dystroglycanopathy (congenital with impaired intellectual development), type B, 2; Autosomal recessive limb-girdle muscular dystrophy type 2N. Last evaluated: 2025-06-16. Review status: criteria provided, single submitter. Criteria: ACMG Guidelines, 2015. Collection method: clinical testing. Allele origin: germline. Inheritance: Autosomal recessive inheritance. Affected: no. Observed: 1 variant allele.

GeneDx
Classification: Pathogenic. Last evaluated: 2024-08-13. Review status: criteria provided, single submitter. Criteria: GeneDx Variant Classification Process June 2021. Collection method: clinical testing. Allele origin: germline. Affected: yes.
Comment: Canonical splice site variant predicted to result in a null allele in a gene for which loss of function is a known mechanism of disease; Not observed at significant frequency in large population cohorts (gnomAD); This variant is associated with the following publications: (PMID: 36859317)

Baylor Genetics
Classification: Pathogenic for Muscular dystrophy-dystroglycanopathy (congenital with brain and eye anomalies), type A2. Last evaluated: 2024-03-23. Review status: criteria provided, single submitter. Criteria: ACMG Guidelines, 2015. Collection method: clinical testing. Allele origin: unknown.

Revvity Omics, Revvity
Classification: Likely pathogenic. Last evaluated: 2022-12-23. Review status: criteria provided, single submitter. Criteria: ACMG Guidelines, 2015. Collection method: clinical testing. Allele origin: germline.

NM_013382.7(POMT2):c.333+1G>A

Gene: POMT2 (protein O-mannosyltransferase 2; minus strand). Cytogenetic location: 14q24.3.
Variant type: single nucleotide variant.
Coding change: c.333+1G>A on transcript NM_013382.7 (MANE Select); the canonical splice donor site of the intron after coding-DNA position 333, G replaced by A.
Molecular consequence: splice donor variant.
Genome position (GRCh38, 1-based): chr14:77,311,948, C>T on the plus strand (G>A on the coding strand, the complement: POMT2 is on the minus strand). VCF-style: chr14-77311948-C-T. GRCh37 (hg19) VCF-style: chr14-77778291-C-T.
Identifiers: ClinVar variation 2432830 (VCV002432830.6), dbSNP rs1318210394, ClinGen allele CA390502506.